The following is an entry in ClinVar:

ClinVar aggregate classification (germline): Likely benign (1 of 4 stars; one submission).

Conditions:
Catecholaminergic polymorphic ventricular tachycardia (CVPT). Also called: Catecholamine-induced polymorphic ventricular tachycardia. Identifiers: Orphanet 3286, MedGen C5574922, MONDO:0017990.

gnomAD v4.1: 2 of 1,607,270 alleles (0.00012%); highest among the groups gnomAD compares: South Asian, 0.0011%; no homozygotes.

Submission:

All of Us Research Program, National Institutes of Health
Classification: Likely benign for Catecholaminergic polymorphic ventricular tachycardia. Last evaluated: 2023-05-16. Review status: criteria provided, single submitter. Criteria: ACMG Guidelines, 2015. Collection method: clinical testing. Allele origin: germline. Inheritance: Autosomal dominant inheritance. Observed: 1 variant allele, 1 heterozygote.
Comment: This study involves interpretation of variants in research participants for the purpose of population health screening. Participant phenotype was not available at the time of variant classification. Additional details can be found in publication PMID: 35346344, PMCID: PMC8962531

NM_001035.3(RYR2):c.13957-5C>T

Gene: RYR2 (ryanodine receptor 2; plus strand). Cytogenetic location: 1q43.
Variant type: single nucleotide variant.
Coding change: c.13957-5C>T on transcript NM_001035.3 (MANE Select); 5 bases into the intron before coding-DNA position 13957, C replaced by T.
Molecular consequence: intron variant.
Genome position (GRCh38, 1-based): chr1:237,798,032, C>T. VCF-style: chr1-237798032-C-T. GRCh37 (hg19) VCF-style: chr1-237961332-C-T.
Identifiers: ClinVar variation 3071193 (VCV003071193.1), dbSNP rs189772599, ClinGen allele CA2651215935.